The following is an entry in ClinVar:

NM_053013.4(ENO3):c.802G>A (p.Ala268Thr)

Gene: ENO3 (enolase 3; plus strand). Cytogenetic location: 17p13.2.
Variant type: single nucleotide variant.
Coding change: c.802G>A on transcript NM_053013.4 (MANE Select); coding-DNA position 802, G replaced by A.
Protein change: p.Ala268Thr; replaces alanine 268 with threonine.
Molecular consequence: missense variant.
Genome position (GRCh38, 1-based): chr17:4,955,541, G>A. VCF-style: chr17-4955541-G-A. GRCh37 (hg19) VCF-style: chr17-4858836-G-A.
Other names: c.673G>A, p.Ala225Thr (NM_001193503.2); c.802G>A, p.Ala268Thr (NM_001374523.1, NM_001976.5); c.829G>A, p.Ala277Thr (NM_001374524.1); c.802G>A (NM_053013.3); short protein forms A225T, A268T, A277T.
Identifiers: ClinVar variation 2192600 (VCV002192600.2), dbSNP rs149301373, ClinGen allele CA8316436.

ClinVar aggregate classification (germline): Uncertain significance. Review status: criteria provided, multiple submitters, no conflicts (2 of 4 stars). 2 submissions from 2 submitters: Uncertain significance (2). Last evaluated 2026-03-31.

Conditions:
ENO3-related disorder. Also called: ENO3-related condition.
Glycogen storage disease due to muscle beta-enolase deficiency (GSD13). Also called: ENOLASE 3 DEFICIENCY; ENOLASE-BETA DEFICIENCY; GSD XIII; Glycogen Storage Disease Type XIII. Identifiers: Orphanet 99849, MedGen C2752027, MONDO:0013046, OMIM 612932.

Allele frequency attached by ClinVar (database versions not stated): gnomAD 0.00002; TOPMed 0.00003; ESP Exome Variant Server 0.00008.

Submissions (2):

PreventionGenetics, part of Exact Sciences
Classification: Uncertain significance for ENO3-related condition. Last evaluated: 2026-03-31. Review status: criteria provided, single submitter. Criteria: ACMG Guidelines, 2015. Collection method: clinical testing. Allele origin: germline.
Comment: The ENO3 c.802G>A variant is predicted to result in the amino acid substitution p.Ala268Thr. To our knowledge, this variant has not been reported in the literature. This variant is reported in 0.0044% of alleles in individuals of European (Non-Finnish) descent in gnomAD. At this time, the clinical significance of this variant is uncertain due to the absence of conclusive functional and genetic evidence.

Labcorp Genetics (formerly Invitae), Labcorp
Classification: Uncertain significance for Glycogen storage disease due to muscle beta-enolase deficiency. Last evaluated: 2022-09-01. Review status: criteria provided, single submitter. Criteria: Invitae Variant Classification Sherloc (09022015). Collection method: clinical testing. Allele origin: germline.
Comment: This sequence change replaces alanine, which is neutral and non-polar, with threonine, which is neutral and polar, at codon 268 of the ENO3 protein (p.Ala268Thr). This variant is present in population databases (rs149301373, gnomAD 0.004%). This variant has not been reported in the literature in individuals affected with ENO3-related conditions. Algorithms developed to predict the effect of missense changes on protein structure and function (SIFT, PolyPhen-2, Align-GVGD) all suggest that this variant is likely to be tolerated. In summary, the available evidence is currently insufficient to determine the role of this variant in disease. Therefore, it has been classified as a Variant of Uncertain Significance.